The following is an entry in ClinVar:

NM_007118.4(TRIO):c.6556_6557del (p.Arg2186fs)

Gene: TRIO (trio Rho guanine nucleotide exchange factor; plus strand). Cytogenetic location: 5p15.2.
Variant type: Microsatellite.
Coding change: c.6556_6557del on transcript NM_007118.4 (MANE Select); coding-DNA positions 6556 to 6557, 2 bases deleted (AG; older notation c.6556_6557delAG).
Protein change: p.Arg2186fs; shifts the reading frame from arginine 2186.
Molecular consequence: frameshift variant. On other transcripts: non-coding transcript variant (1).
Genome position (GRCh38, 1-based): chr5:14,482,672-14,482,673, AG deleted; deleting any 2 consecutive bases within chr5:14,482,666-14,482,673 gives the same sequence; the c. name uses the placement nearest the transcript's 3' end. VCF-style (leftmost placement, unchanged base first): chr5-14482665-CAG-C. GRCh37 (hg19) VCF-style: chr5-14482774-CAG-C.
Other names: short protein forms R2186fs.
Identifiers: ClinVar variation 1212084 (VCV001212084.6), dbSNP rs2126611738, ClinGen allele CA2578272507.

ClinVar aggregate classification (germline): Pathogenic (1 of 4 stars; one submission).

Submission:

GeneDx
Classification: Pathogenic. Last evaluated: 2026-08-13. Review status: criteria provided, single submitter. Criteria: GeneDx Variant Classification Process June 2021. Collection method: clinical testing. Allele origin: germline.
Comment: Has not been previously published as pathogenic or benign to our knowledge; Not observed at significant frequency in large population cohorts (gnomAD); Frameshift variant predicted to result in protein truncation or nonsense mediated decay in a gene for which loss of function is a known mechanism of disease